The following is an entry in ClinVar:

NM_001710.6(CFB):c.1703G>A (p.Gly568Glu)

Gene: CFB (complement factor B; plus strand). Cytogenetic location: 6p21.33.
Variant type: single nucleotide variant.
Coding change: c.1703G>A on transcript NM_001710.6 (MANE Select); coding-DNA position 1703, G replaced by A.
Protein change: p.Gly568Glu; replaces glycine 568 with glutamic acid.
Molecular consequence: missense variant.
Genome position (GRCh38, 1-based): chr6:31,950,697, G>A. VCF-style: chr6-31950697-G-A. GRCh37 (hg19) VCF-style: chr6-31918474-G-A.
Other names: short protein forms G568E.
Identifiers: ClinVar variation 3616154 (VCV003616154.2).

ClinVar aggregate classification (germline): Uncertain significance (1 of 4 stars; one submission).

Submission:

Labcorp Genetics (formerly Invitae), Labcorp
Classification: Uncertain significance. Last evaluated: 2025-08-05. Review status: criteria provided, single submitter. Criteria: Invitae Variant Classification Sherloc (09022015). Collection method: clinical testing. Allele origin: germline.
Comment: This sequence change replaces glycine, which is neutral and non-polar, with glutamic acid, which is acidic and polar, at codon 568 of the CFB protein (p.Gly568Glu). This variant is present in population databases (no rsID available, gnomAD 0.007%). This variant has not been reported in the literature in individuals affected with CFB-related conditions. ClinVar contains an entry for this variant (Variation ID: 3616154). Invitae Evidence Modeling of protein sequence and biophysical properties (such as structural, functional, and spatial information, amino acid conservation, physicochemical variation, residue mobility, and thermodynamic stability) indicates that this missense variant is expected to disrupt CFB protein function with a positive predictive value of 80%. In summary, the available evidence is currently insufficient to determine the role of this variant in disease. Therefore, it has been classified as a Variant of Uncertain Significance.